The following is an entry in ClinVar:

NM_016219.5(MAN1B1):c.817G>A (p.Glu273Lys)

Gene: MAN1B1 (mannosidase alpha class 1B member 1; plus strand). Cytogenetic location: 9q34.3.
Variant type: single nucleotide variant.
Coding change: c.817G>A on transcript NM_016219.5 (MANE Select); coding-DNA position 817, G replaced by A.
Protein change: p.Glu273Lys; replaces glutamic acid 273 with lysine.
Molecular consequence: missense variant. On other transcripts: non-coding transcript variant (2).
Genome position (GRCh38, 1-based): chr9:137,099,782, G>A. VCF-style: chr9-137099782-G-A. GRCh37 (hg19) VCF-style: chr9-139994234-G-A.
Other names: c.709G>A, p.Glu237Lys (NM_007230.1); short protein forms E237K, E273K.
Identifiers: ClinVar variation 1900453 (VCV001900453.5), dbSNP rs199949899, ClinGen allele CA201690569.

ClinVar aggregate classification (germline): Uncertain significance (1 of 4 stars; one submission).

Conditions:
Rafiq syndrome (RAFQS). Identifiers: Orphanet 88616, MedGen C3280127, MONDO:0013624, OMIM 614202.

Allele frequency attached by ClinVar (database versions not stated): gnomAD 0.00001; TOPMed 0.00001.
gnomAD v4.1: 15 of 1,614,108 alleles (0.00093%); highest among the groups gnomAD compares: East Asian, 0.0045%; no homozygotes.

Submission:

Labcorp Genetics (formerly Invitae), Labcorp
Classification: Uncertain significance for Rafiq syndrome. Last evaluated: 2022-05-21. Review status: criteria provided, single submitter. Criteria: Invitae Variant Classification Sherloc (09022015). Collection method: clinical testing. Allele origin: germline.
Comment: In summary, the available evidence is currently insufficient to determine the role of this variant in disease. Therefore, it has been classified as a Variant of Uncertain Significance. Algorithms developed to predict the effect of missense changes on protein structure and function are either unavailable or do not agree on the potential impact of this missense change (SIFT: "Tolerated"; PolyPhen-2: "Probably Damaging"; Align-GVGD: "Class C0"). This variant has not been reported in the literature in individuals affected with MAN1B1-related conditions. This variant is present in population databases (rs199949899, gnomAD 0.005%). This sequence change replaces glutamic acid, which is acidic and polar, with lysine, which is basic and polar, at codon 273 of the MAN1B1 protein (p.Glu273Lys).